The following is an entry in ClinVar:

ClinVar aggregate classification (germline): Conflicting classifications of pathogenicity. Review status: criteria provided, conflicting classifications (1 of 4 stars). 2 submissions from 2 submitters: Pathogenic (1); Uncertain significance (1). Last evaluated 2026-02-20.

Conditions:
Hereditary cancer-predisposing syndrome. Also called: Tumor predisposition; Neoplastic Syndromes, Hereditary; Hereditary Cancer Syndrome; Hereditary neoplastic syndrome. Identifiers: Orphanet 140162, MedGen C0027672, MeSH D009386, MONDO:0015356.

Submissions (2):

Ambry Genetics
Classification: Uncertain significance for Hereditary cancer-predisposing syndrome. Last evaluated: 2026-02-20. Review status: criteria provided, single submitter. Criteria: Ambry Variant Classification Scheme 2023. Collection method: clinical testing. Allele origin: germline.
Comment: The c.6020delT variant, located in coding exon 44 of the POLE gene, results from a deletion of one nucleotide at nucleotide position 6020, causing a translational frameshift with a predicted alternate stop codon (p.V2007Gfs*5). This alteration is expected to result in loss of function by premature protein truncation or nonsense-mediated mRNA decay. Although biallelic loss of function of POLE has been associated with autosomal recessive POLE deficiency, haploinsufficiency of POLE has not been established as a mechanism of disease for POLE-related polymerase proofreading-associated polyposis (PPAP) and POLE-related CMMRD-like syndrome. Based on the supporting evidence, this variant is expected to be causative of POLE deficiency when present along with a second pathogenic variant on the other allele; however, its clinical significance for PPAP and POLE-related CMMRD-like syndrome is unclear.

Labcorp Genetics (formerly Invitae), Labcorp
Classification: Pathogenic. Last evaluated: 2023-03-01. Review status: criteria provided, single submitter. Criteria: Invitae Variant Classification Sherloc (09022015). Collection method: clinical testing. Allele origin: germline.
Comment: For these reasons, this variant has been classified as Pathogenic. This variant has not been reported in the literature in individuals affected with POLE-related conditions. This variant is not present in population databases (gnomAD no frequency). This sequence change creates a premature translational stop signal (p.Val2007Glyfs*5) in the POLE gene. It is expected to result in an absent or disrupted protein product. Loss-of-function variants in POLE are known to be pathogenic (PMID: 23230001, 25948378, 30503519).

Literature cited by the submitters: PubMed 23230001 (cited by Labcorp Genetics (formerly Invitae), Labcorp); PubMed 25948378 (cited by Labcorp Genetics (formerly Invitae), Labcorp); PubMed 30503519 (cited by Labcorp Genetics (formerly Invitae), Labcorp).

NM_006231.4(POLE):c.6020del (p.Val2007fs)

Gene: POLE (DNA polymerase epsilon, catalytic subunit; minus strand). Cytogenetic location: 12q24.33.
Variant type: Deletion.
Coding change: c.6020del on transcript NM_006231.4 (MANE Select); coding-DNA position 6020, one base deleted (T; older notation c.6020delT).
Protein change: p.Val2007fs; shifts the reading frame from valine 2007.
Molecular consequence: frameshift variant.
Genome position (GRCh38, 1-based): chr12:132,632,780, A deleted on the plus strand (T on the coding strand, the reverse complement: POLE is on the minus strand). VCF-style (leftmost placement, unchanged base first): chr12-132632779-CA-C. GRCh37 (hg19) VCF-style: chr12-133209365-CA-C.
Other names: c.6020delT (NM_006231.2); short protein forms V2007fs.
Identifiers: ClinVar variation 2841665 (VCV002841665.4), dbSNP rs2541856342, ClinGen allele CA2739277424.